The following is an entry in ClinVar:

ClinVar aggregate classification (germline): Likely pathogenic. Review status: reviewed by expert panel (3 of 4 stars). 7 submissions from 7 submitters: Likely pathogenic (1). 6 of the submissions do not count toward it. Last evaluated 2023-07-23.

Conditions:
Phenylketonuria (PKU). Also called: FOLLING DISEASE; OLIGOPHRENIA PHENYLPYRUVICA; Phenylketonurias; Phenylketonuria (PKU). Identifiers: Orphanet 716, MedGen C0031485, MONDO:0009861, OMIM 261600. Disease mechanism: loss of function.

Submissions (7):

ClinGen PAH Variant Curation Expert Panel
Classification: Likely pathogenic for Phenylketonuria. Last evaluated: 2023-07-23. Review status: reviewed by expert panel. Criteria: ClinGen PAH ACMG Specifications v1. Collection method: curation. Allele origin: germline. Inheritance: Autosomal recessive inheritance.
Comment: The c.1357_*2delTAAAG (p.Ter453Profs) variant in PAH has been reported in multiple individuals with PAH deficiency; one with other causes of hyperphenylalninemia ruled out with panel sequencing. (PP4_Moderate; PMID: 10679941, data share with Invitae). This variant is at low frequency in population databases (TopMed AF=0.00001). This variant was detected with known pathogenic/likely pathogenic variants: p.L48 (unknown phase, PMID: 10679941); c.1066-11G>A, p.Arg408Trp, p.Arg155Pro, (unknown phase, PMID: 32668217); and Leu348Val (in trans, data share with Invitae). The deletion p.Ter453Profs is predicted to abolish the stop codon and causes an elongation of the polypeptide by 35 amino acids (PM4). In summary, this variant meets criteria to be classified as likely pathogenic for PAH. PAH-specific ACMG/AMP criteria applied: PP4_moderate, PM2-supporting, PM3_strong, PM4.

Women's Health and Genetics/Laboratory Corporation of America, LabCorp
Classification: Likely pathogenic for Phenylketonuria. Last evaluated: 2026-06-15. Review status: criteria provided, single submitter. Criteria: LabCorp Variant Classification Summary - May 2015. Collection method: clinical testing. Allele origin: germline. Not counted in ClinVar's aggregate classification.
Comment: Variant summary: PAH c.1357_*2delTAAAG (p.X453ProfsX34) causes a frameshift which results in an extension of the protein. The variant was absent in 251096 control chromosomes. c.1357_*2delTAAAG has been observed in individuals affected with PAH-related conditions (Hennermann_2000, Liu_2017, Li_2018, Hillert_2020, internal data). These data indicate that the variant is likely associated with disease. To our knowledge, no experimental evidence demonstrating an impact on protein function has been reported. The following publications have been ascertained in the context of this evaluation (PMID: 10679941, 32668217, 30050108, 28982351). ClinVar contains an entry for this variant (Variation ID: 194161). Based on the evidence outlined above, the variant was classified as likely pathogenic.

Labcorp Genetics (formerly Invitae), Labcorp
Classification: Pathogenic for Phenylketonuria. Last evaluated: 2025-11-25. Review status: criteria provided, single submitter. Criteria: Invitae Variant Classification Sherloc (09022015). Collection method: clinical testing. Allele origin: germline. Not counted in ClinVar's aggregate classification.
Comment: This sequence change disrupts the translational stop signal of the PAH mRNA. It is expected to extend the length of the PAH protein by 33 additional amino acid residues. This variant is not present in population databases (gnomAD no frequency). This protein extension has been observed in individual(s) with PAH-related conditions (PMID: 10679941; internal data). In at least one individual the data is consistent with being in trans (on the opposite chromosome) from a pathogenic variant. Experimental studies and prediction algorithms are not available or were not evaluated, and the functional significance of this variant is currently unknown. For these reasons, this variant has been classified as Pathogenic.

Natera, Inc.
Classification: Likely pathogenic for Phenylketonuria. Last evaluated: 2025-05-29. Review status: criteria provided, single submitter. Criteria: Natera Variant Classification Schema (03/2026). Collection method: clinical testing. Allele origin: germline. Not counted in ClinVar's aggregate classification.
Comment: The c.1357_*2delTAAAG variant in PAH is a frameshift variant predicted to shift the reading frame and introduce a stop codon. This variant is rare in the general population with a frequency below the threshold expected for the associated phenotype(s). This variant has been observed in one or more individuals affected with the associated recessive disease, as either homozygous or compound heterozygous with a second variant (PMID: 10679941). This variant results in a change to the protein length while preserving reading frame, which may disrupt normal protein structure or function. Given the available evidence, this variant is classified as Likely Pathogenic.

Myriad Genetics, Inc.
Classification: Pathogenic for Phenylketonuria. Last evaluated: 2025-02-18. Review status: criteria provided, single submitter. Criteria: Myriad Autosomal Dominant, Autosomal Recessive and X-Linked Classification Criteria (2023). Collection method: clinical testing. Allele origin: unknown. Not counted in ClinVar's aggregate classification.
Comment: NM_000277.1(PAH):c.1357_*2del5(*453Pext*33) is a frameshift variant that results in protein elongation classified as pathogenic in the context of phenylalanine hydroxylase deficiency. *453Pext*33 has been observed in cases with relevant disease (PMID: 10679941, 30050108, 32668217). Relevant functional assessments of this variant are not available in the literature. *453Pext*33 has not been observed in referenced population frequency databases. In summary, NM_000277.1(PAH):c.1357_*2del5(*453Pext*33) is a frameshift variant that results in protein elongation that has been observed more frequently in cases with the relevant disease than in healthy populations. Please note: this variant was assessed in the context of healthy population screening.

GeneDx
Classification: Likely pathogenic. Last evaluated: 2025-02-12. Review status: criteria provided, single submitter. Criteria: GeneDx Variant Classification Process June 2021. Collection method: clinical testing. Allele origin: germline. Affected: yes. Not counted in ClinVar's aggregate classification.
Comment: Stop codon loss and change to a Proline codon, leading to protein extension and the addition of 33 amino acid(s) at the C-terminus; Not observed at significant frequency in large population cohorts (gnomAD); This variant is associated with the following publications: (PMID: 10679941, 32668217)

Eurofins Ntd Llc (ga)
Classification: Pathogenic. Last evaluated: 2015-02-02. Review status: criteria provided, single submitter. Criteria: EGL Classification Definitions 2015. Collection method: clinical testing. Allele origin: germline. Not counted in ClinVar's aggregate classification.

Literature cited by the submitters: PubMed 28982351 (cited by Women's Health and Genetics/Laboratory Corporation of America, LabCorp); PubMed 30050108 (cited by Women's Health and Genetics/Laboratory Corporation of America, LabCorp and Myriad Genetics, Inc.); PubMed 10679941 (cited by 5 submitters); PubMed 32668217 (cited by Women's Health and Genetics/Laboratory Corporation of America, LabCorp and Myriad Genetics, Inc.).

NM_000277.3(PAH):c.1357_*2del (p.Ter453ProextTer?)

Gene: PAH (phenylalanine hydroxylase; minus strand). Cytogenetic location: 12q23.2.
Variant type: Microsatellite.
Coding change: c.1357_*2del on transcript NM_000277.3 (MANE Select); coding-DNA position 1357 through 2 bases downstream of the stop codon, 5 bases deleted (TAAAG; older notation c.1357_*2delTAAAG).
Protein change: p.Ter453ProextTer?.
Molecular consequence: frameshift variant, stop lost.
Genome position (GRCh38, 1-based): chr12:102,839,173-102,839,177, CTTTA deleted on the plus strand (TAAAG on the coding strand, the reverse complement: PAH is on the minus strand); deleting any 5 consecutive bases within chr12:102,839,173-102,839,182 gives the same sequence; the c. name uses the placement nearest the transcript's 3' end. VCF-style (leftmost placement, unchanged base first): chr12-102839172-GCTTTA-G. GRCh37 (hg19) VCF-style: chr12-103232950-GCTTTA-G.
Other names: c.1357_*2delTAAAG (NM_000277.2, NM_000277.3); c.1357_*2del, p.Ter453ProextTer? (NM_001354304.2).
Identifiers: ClinVar variation 194161 (VCV000194161.23), dbSNP rs794727086, ClinGen allele CA274987.
Genomic context (GRCh38, chr12:102,839,172, plus strand): 5'-AAAGAAATAGTTGGATCTCCATCAACAGATTCACAGCTGACAGACCACATTCTGTCCATG[GCTTTA>G]CTTTATTTTCTGGAGGGCACTGCAAAGGATTCCAATTTCACCTACAAAGAAAAACACCAT-3'